The following is an entry in ClinVar:

NM_001127644.2(GABRA1):c.611G>A (p.Arg204His)

Gene: GABRA1 (gamma-aminobutyric acid type A receptor subunit alpha1; plus strand). Cytogenetic location: 5q34.
Variant type: single nucleotide variant.
Coding change: c.611G>A on transcript NM_001127644.2 (MANE Select); coding-DNA position 611, G replaced by A.
Protein change: p.Arg204His; replaces arginine 204 with histidine.
Molecular consequence: missense variant.
Genome position (GRCh38, 1-based): chr5:161,882,609, G>A. VCF-style: chr5-161882609-G-A. GRCh37 (hg19) VCF-style: chr5-161309615-G-A.
Other names: c.611G>A, p.Arg204His (NM_000806.5, NM_001127643.2, NM_001127645.2 and 1 more transcripts); short protein forms R204H.
Identifiers: ClinVar variation 951254 (VCV000951254.12), dbSNP rs777320447, ClinGen allele CA3544474.
Genomic context (GRCh38, chr5:161,882,609, plus strand): 5'-TCCTTTTAGATGCTTATACAAGAGCAGAAGTTGTTTATGAATGGACCAGAGAGCCAGCAC[G>A]CTCAGTGGTTGTAGCAGAAGATGGATCACGTCTAAACCAGTATGACCTTCTTGGACAAAC-3'
Protein context (NP_001121116.1, residues 194-214): VVYEWTREPA[Arg204His]SVVVAEDGSR

ClinVar aggregate classification (germline): Uncertain significance. Review status: criteria provided, multiple submitters, no conflicts (2 of 4 stars). 2 submissions from 2 submitters: Uncertain significance (2). Last evaluated 2022-07-11.

Conditions:
Idiopathic generalized epilepsy. Also called: EIG; Generalised epilepsy. Identifiers: MedGen C0270850, MONDO:0005579, OMIM 600669.
Epilepsy, childhood absence 4 (ECA4). Also called: EPILEPSY, CHILDHOOD ABSENCE, SUSCEPTIBILITY TO, 4. Identifiers: Orphanet 307, MedGen C1970160.
Epilepsy, idiopathic generalized, susceptibility to, 13. Also called: EPILEPSY, JUVENILE MYOCLONIC, SUSCEPTIBILITY TO, 5. Identifiers: Orphanet 307, Orphanet 64280, MedGen C4013473, MONDO:0012627, OMIM 611136.
Developmental and epileptic encephalopathy, 19 (DEE19). Also called: Epileptic encephalopathy, early infantile, 19. Identifiers: Orphanet 33069, MedGen C3810400, MONDO:0014328, OMIM 615744.

Allele frequency attached by ClinVar (database versions not stated): gnomAD exomes below 0.00001 and 0.00001; ExAC 0.00001; gnomAD 0.00001.
gnomAD v4.1: 12 of 1,613,394 alleles (0.00074%); highest among the groups gnomAD compares: East Asian, 0.0022%; no homozygotes.

Submissions (2):

Labcorp Genetics (formerly Invitae), Labcorp
Classification: Uncertain significance for Epilepsy, childhood absence 4; Epilepsy, idiopathic generalized, susceptibility to, 13; Idiopathic generalized epilepsy. Last evaluated: 2022-07-11. Review status: criteria provided, single submitter. Criteria: Invitae Variant Classification Sherloc (09022015). Collection method: clinical testing. Allele origin: germline.
Comment: ClinVar contains an entry for this variant (Variation ID: 951254). This variant has not been reported in the literature in individuals affected with GABRA1-related conditions. This variant is present in population databases (rs777320447, gnomAD 0.0009%). This sequence change replaces arginine, which is basic and polar, with histidine, which is basic and polar, at codon 204 of the GABRA1 protein (p.Arg204His). Algorithms developed to predict the effect of missense changes on protein structure and function are either unavailable or do not agree on the potential impact of this missense change (SIFT: "Deleterious"; PolyPhen-2: "Benign"; Align-GVGD: "Class C0"). In summary, the available evidence is currently insufficient to determine the role of this variant in disease. Therefore, it has been classified as a Variant of Uncertain Significance.

Revvity Omics, Revvity
Classification: Uncertain significance for Developmental and epileptic encephalopathy, 19. Last evaluated: 2021-05-21. Review status: criteria provided, single submitter. Criteria: ACMG Guidelines, 2015. Collection method: clinical testing. Allele origin: germline.